The following is an entry in ClinVar:

ClinVar aggregate classification (germline): Uncertain significance (1 of 4 stars; one submission).

gnomAD v4.1: 1 of 1,614,094 alleles (0.000062%); highest among the groups gnomAD compares: African/African-American, 0.0013%; no homozygotes.

Submission:

Labcorp Genetics (formerly Invitae), Labcorp
Classification: Uncertain significance. Last evaluated: 2025-03-05. Review status: criteria provided, single submitter. Criteria: Invitae Variant Classification Sherloc (09022015). Collection method: clinical testing. Allele origin: germline.
Comment: This sequence change replaces leucine, which is neutral and non-polar, with phenylalanine, which is neutral and non-polar, at codon 1747 of the RP1 protein (p.Leu1747Phe). This variant is not present in population databases (gnomAD no frequency). This variant has not been reported in the literature in individuals affected with RP1-related conditions. An algorithm developed to predict the effect of missense changes on protein structure and function outputs the following: PolyPhen-2: "Benign". The phenylalanine amino acid residue is found in multiple mammalian species, which suggests that this missense change does not adversely affect protein function. In summary, the available evidence is currently insufficient to determine the role of this variant in disease. Therefore, it has been classified as a Variant of Uncertain Significance.

NM_006269.2(RP1):c.5239C>T (p.Leu1747Phe)

Genes: RP1 (RP1 axonemal microtubule associated; plus strand), LOC126860392 (CDK7 strongly-dependent group 2 enhancer GRCh37_chr8:55541319-55542518; plus strand). Cytogenetic location: 8q12.1.
Variant type: single nucleotide variant.
Coding change: c.5239C>T on transcript NM_006269.2 (MANE Select); coding-DNA position 5239, C replaced by T.
Protein change: p.Leu1747Phe; replaces leucine 1747 with phenylalanine.
Molecular consequence: missense variant. On other transcripts: intron variant (1).
Genome position (GRCh38, 1-based): chr8:54,629,121, C>T. VCF-style: chr8-54629121-C-T. GRCh37 (hg19) VCF-style: chr8-55541681-C-T.
Other names: c.787+6833C>T (NM_001375654.1); short protein forms L1747F.
Identifiers: ClinVar variation 4771727 (VCV004771727.1).